The following is an entry in ClinVar:

NM_000321.3(RB1):c.2020C>T (p.Pro674Ser)

Gene: RB1 (RB transcriptional corepressor 1; plus strand). Cytogenetic location: 13q14.2.
Variant type: single nucleotide variant.
Coding change: c.2020C>T on transcript NM_000321.3 (MANE Select); coding-DNA position 2020, C replaced by T.
Protein change: p.Pro674Ser; replaces proline 674 with serine.
Molecular consequence: missense variant.
Genome position (GRCh38, 1-based): chr13:48,459,747, C>T. VCF-style: chr13-48459747-C-T. GRCh37 (hg19) VCF-style: chr13-49033883-C-T.
Other names: c.2020C>T (NM_000321.2); short protein forms P674S.
Identifiers: ClinVar variation 1046944 (VCV001046944.9), dbSNP rs1949384188, ClinGen allele CA388166779.

ClinVar aggregate classification (germline): Uncertain significance. Review status: criteria provided, multiple submitters, no conflicts (2 of 4 stars). 2 submissions from 2 submitters: Uncertain significance (2). Last evaluated 2023-10-19.

Conditions:
Hereditary cancer-predisposing syndrome. Also called: Hereditary Cancer Syndrome; Tumor predisposition; Hereditary neoplastic syndrome; Neoplastic Syndromes, Hereditary. Identifiers: Orphanet 140162, MedGen C0027672, MeSH D009386, MONDO:0015356.
Retinoblastoma (RB1). Also called: RETINOBLASTOMA, SOMATIC. Identifiers: Orphanet 790, MedGen C0035335, MeSH D012175, MONDO:0008380, OMIM 180200, HP:0009919. Disease mechanism: loss of function. Inheritance: Both sporadic and heritable forms are tested..

Submissions (2):

Ambry Genetics
Classification: Uncertain significance for Hereditary cancer-predisposing syndrome. Last evaluated: 2023-10-19. Review status: criteria provided, single submitter. Criteria: Ambry Variant Classification Scheme 2023. Collection method: clinical testing. Allele origin: germline.
Comment: The p.P674S variant (also known as c.2020C>T), located in coding exon 20 of the RB1 gene, results from a C to T substitution at nucleotide position 2020. The proline at codon 674 is replaced by serine, an amino acid with similar properties. This amino acid position is conserved. In addition, the in silico prediction for this alteration is inconclusive. Since supporting evidence is limited at this time, the clinical significance of this alteration remains unclear.

Labcorp Genetics (formerly Invitae), Labcorp
Classification: Uncertain significance for Retinoblastoma. Last evaluated: 2020-02-04. Review status: criteria provided, single submitter. Criteria: Invitae Variant Classification Sherloc (09022015). Collection method: clinical testing. Allele origin: germline.
Comment: In summary, the available evidence is currently insufficient to determine the role of this variant in disease. Therefore, it has been classified as a Variant of Uncertain Significance. Algorithms developed to predict the effect of missense changes on protein structure and function (SIFT, PolyPhen-2, Align-GVGD) all suggest that this variant is likely to be disruptive, but these predictions have not been confirmed by published functional studies and their clinical significance is uncertain. This variant has not been reported in the literature in individuals with RB1-related conditions. This variant is not present in population databases (ExAC no frequency). This sequence change replaces proline with serine at codon 674 of the RB1 protein (p.Pro674Ser). The proline residue is highly conserved and there is a moderate physicochemical difference between proline and serine.